The following is an entry in ClinVar:

NM_001386298.1(CIC):c.3415G>A (p.Val1139Ile)

Gene: CIC (capicua transcriptional repressor; plus strand). Cytogenetic location: 19q13.2.
Variant type: single nucleotide variant.
Coding change: c.3415G>A on transcript NM_001386298.1 (MANE Select); coding-DNA position 3415, G replaced by A.
Protein change: p.Val1139Ile; replaces valine 1139 with isoleucine.
Molecular consequence: missense variant.
Genome position (GRCh38, 1-based): chr19:42,287,650, G>A. VCF-style: chr19-42287650-G-A. GRCh37 (hg19) VCF-style: chr19-42791802-G-A.
Other names: c.3415G>A, p.Val1139Ile (NM_001304815.2, NM_001379480.1, NM_001379482.1); c.688G>A, p.Val230Ile (NM_001379484.1, NM_001379485.1, NM_015125.5); short protein forms V1139I, V230I.
Identifiers: ClinVar variation 1304308 (VCV001304308.2), dbSNP rs2147199038, ClinGen allele CA406098141.

ClinVar aggregate classification (germline): Uncertain significance (1 of 4 stars; one submission).

Allele frequency attached by ClinVar (database versions not stated): gnomAD exomes below 0.00001.
gnomAD v4.1: 2 of 1,614,020 alleles (0.00012%); highest among the groups gnomAD compares: Non-Finnish European, 0.00017%; no homozygotes.

Submission:

GeneDx
Classification: Uncertain significance. Last evaluated: 2021-01-26. Review status: criteria provided, single submitter. Criteria: GeneDx Variant Classification Process June 2021. Collection method: clinical testing. Allele origin: germline. Affected: yes.
Comment: Not observed in large population cohorts (Lek et al., 2016); In silico analysis supports that this missense variant does not alter protein structure/function; Has not been previously published as pathogenic or benign to our knowledge